The following is an entry in ClinVar:

ClinVar aggregate classification (germline): Uncertain significance (1 of 4 stars; one submission).

gnomAD v4.1: 4 of 1,609,688 alleles (0.00025%); highest among the groups gnomAD compares: African/African-American, 0.004%; no homozygotes.

Submission:

Labcorp Genetics (formerly Invitae), Labcorp
Classification: Uncertain significance. Last evaluated: 2025-10-27. Review status: criteria provided, single submitter. Criteria: Invitae Variant Classification Sherloc (09022015). Collection method: clinical testing. Allele origin: germline.
Comment: This sequence change replaces isoleucine, which is neutral and non-polar, with valine, which is neutral and non-polar, at codon 1139 of the AP3D1 protein (p.Ile1139Val). This variant is present in population databases (rs754876392, gnomAD 0.007%). This variant has not been reported in the literature in individuals affected with AP3D1-related conditions. An algorithm developed to predict the effect of missense changes on protein structure and function (PolyPhen-2) suggests that this variant is likely to be tolerated. In summary, the available evidence is currently insufficient to determine the role of this variant in disease. Therefore, it has been classified as a Variant of Uncertain Significance.

NM_001261826.3(AP3D1):c.3415A>G (p.Ile1139Val)

Gene: AP3D1 (adaptor related protein complex 3 subunit delta 1; minus strand). Cytogenetic location: 19p13.3.
Variant type: single nucleotide variant.
Coding change: c.3415A>G on transcript NM_001261826.3 (MANE Select); coding-DNA position 3415, A replaced by G.
Protein change: p.Ile1139Val; replaces isoleucine 1139 with valine.
Molecular consequence: missense variant.
Genome position (GRCh38, 1-based): chr19:2,109,143, T>C on the plus strand (A>G on the coding strand, the complement: AP3D1 is on the minus strand). VCF-style: chr19-2109143-T-C. GRCh37 (hg19) VCF-style: chr19-2109142-T-C.
Other names: c.3379A>G, p.Ile1127Val (NM_001374799.1); c.3229A>G, p.Ile1077Val (NM_003938.8); short protein forms I1077V, I1127V, I1139V.
Identifiers: ClinVar variation 4701653 (VCV004701653.1).